The following is an entry in ClinVar:

NM_007194.4(CHEK2):c.792+2T>C

Gene: CHEK2 (checkpoint kinase 2; minus strand). Cytogenetic location: 22q12.1.
Variant type: single nucleotide variant.
Coding change: c.792+2T>C on transcript NM_007194.4 (MANE Select); the canonical splice donor site of the intron after coding-DNA position 792, T replaced by C.
Molecular consequence: splice donor variant.
Genome position (GRCh38, 1-based): chr22:28,711,907, A>G on the plus strand (T>C on the coding strand, the complement: CHEK2 is on the minus strand). VCF-style: chr22-28711907-A-G. GRCh37 (hg19) VCF-style: chr22-29107895-A-G.
Other names: c.129+2T>C (NM_001437942.1, NM_001257387.3); c.591+2T>C (NM_001349956.3); c.792+2T>C (NM_145862.3); c.885+2T>C (NM_001438295.1, NM_001438293.1); c.921+2T>C (NM_001438294.1, NM_001005735.3).
Identifiers: ClinVar variation 220480 (VCV000220480.22), dbSNP rs545982789, ClinGen allele CA349341.

ClinVar aggregate classification (germline): Likely pathogenic. Review status: criteria provided, multiple submitters, no conflicts (2 of 4 stars). 7 submissions from 7 submitters: Likely pathogenic (6). 1 of the submissions does not count toward it. Last evaluated 2026-07-01.

Conditions:
Hereditary breast ovarian cancer syndrome. Also called: Hereditary breast and ovarian cancer syndrome; Hereditary breast and ovarian cancer; Hereditary breast and ovarian cancer syndrome (HBOC); Breast and ovarian cancer; Hereditary breast and/or ovarian cancer syndrome; BRCA1- and BRCA2-Associated Hereditary Breast and Ovarian Cancer. Identifiers: Orphanet 145, MedGen C0677776, MeSH D061325, MONDO:0003582. Disease mechanism: loss of function.
Familial cancer of breast. Also called: BREAST CANCER, FAMILIAL; hereditary breast carcinoma; Hereditary breast cancer. Identifiers: Orphanet 227535, MedGen C0346153, MONDO:0016419, OMIM 114480. Disease mechanism: loss of function.
Hereditary cancer-predisposing syndrome. Also called: Neoplastic Syndromes, Hereditary; Tumor predisposition; Hereditary Cancer Syndrome; Hereditary neoplastic syndrome. Identifiers: Orphanet 140162, MedGen C0027672, MeSH D009386, MONDO:0015356.

Allele frequency attached by ClinVar (database versions not stated): gnomAD exomes below 0.00001; ExAC 0.00001; gnomAD 0.00001; TOPMed 0.00001; 1000 Genomes Project 0.00020.

Submissions (7):

CeGaT Center for Human Genetics Tuebingen
Classification: Likely pathogenic. Last evaluated: 2026-07-01. Review status: criteria provided, single submitter. Criteria: CeGaT Center For Human Genetics Tuebingen Variant Classification Criteria Version 2. Collection method: clinical testing. Allele origin: germline. Affected: yes. Observed: 1 variant allele.
Comment: CHEK2: PVS1, PM2:Supporting

Mendelics
Classification: Likely pathogenic for Familial cancer of breast. Last evaluated: 2025-08-18. Review status: criteria provided, single submitter. Criteria: Mendelics Assertion Criteria 2017. Collection method: clinical testing. Allele origin: unknown.
Comment: NM_007194.4(CHEK2):c.792+2T>C has GnomAD 4.1.0 frequency of 0.000001256 with 2 heterozygotes and 0 homozygotes. In-silico predictors evaluated it as pathogenic (alters splicing site). Reported previously in literature (PMID: 32885271, 32906215).

German Consortium for Hereditary Breast and Ovarian Cancer, University Hospital Cologne
Classification: Likely pathogenic for Hereditary breast ovarian cancer syndrome. Last evaluated: 2025-02-18. Review status: criteria provided, single submitter. Criteria: ACMG Guidelines, 2015. Collection method: curation. Allele origin: germline.
Comment: According to the ACMG SVI adaptation criteria we chose these criteria: PVS1 (very strong pathogenic): as per Tayoun, 2018 (PMID: 30192042): GT-AG splice sites --> Exon skipping or use of a cryptic splice site disrupts reading frame and is predicted to undergo NMD --> Exon is present in biologically-relevant transcript(s) Feliubadaló 2017 (PMID: 28050010): Figure S6B (Supplementary): &quot; Aberrant splicing caused by the CHEK2 c.792+2T>C variant, which shows the abolition of the wild-type donor site of exon 6. The RT-PCR analysis showed multiple bands (the 469-bp band corresponds to the predominant transcript) in the control samples. The 588-bp band belongs to an aberrant transcript showing a 119-bp insertion from intron 6. Sequencing of the aberrant cDNA showed the partial 119-bp insertion from intron 6. --> r.792_793ins792+1_792+119, p.(Asp265Alafs*12). RNA-Analysis (GC-HBOC) Intron retention intron 6 and skipping of exons 6-8 (NMD predicted) , PM2 (supporting pathogenic): gnomAD v4.1.0 Grpmax Filtering AF = 2.900e-7 (=0.00003% / 2x het in 1592950); absent from UK Biobank (468530 participants)

Ambry Genetics
Classification: Likely pathogenic for Hereditary cancer-predisposing syndrome. Last evaluated: 2024-08-21. Review status: criteria provided, single submitter. Criteria: Ambry Variant Classification Scheme 2023. Collection method: clinical testing. Allele origin: germline.
Comment: The c.792+2T>C intronic variant results from a T to C substitution two nucleotides after coding exon 5 in the CHEK2 gene. In one study, this variant was reported in 1/60,466 breast cancer cases and in 0/53,461 controls (Dorling et al. N Engl J Med. 2021 02;384:428-439). This alteration was also reported as being found in at least one individual in a cohort of 516 patients being evaluated for suspected hereditary breast and ovarian cancer (Vargas-Parra G et al. Hum Mutat. 2020 12;41(12):2128-2142). This nucleotide position is highly conserved in available vertebrate species. In silico splice site analysis predicts that this alteration will weaken the native splice donor site and result in the creation or strengthening of a novel splice donor site. RNA studies have demonstrated that this alteration results in abnormal splicing in the set of samples tested (Ambry internal data). Alterations that disrupt the canonical splice site are expected to cause aberrant splicing, resulting in an abnormal protein or a transcript that is subject to nonsense-mediated mRNA decay. As such, this alteration is classified as likely pathogenic.

Myriad Genetics, Inc.
Classification: Likely pathogenic for Familial cancer of breast. Last evaluated: 2023-06-27. Review status: criteria provided, single submitter. Criteria: Myriad Autosomal Dominant, Autosomal Recessive and X-Linked Classification Criteria (2023). Collection method: clinical testing. Allele origin: unknown.
Comment: This variant is considered likely pathogenic. This variant occurs within a consensus splice junction and is predicted to result in abnormal mRNA splicing of either an out-of-frame exon or an in-frame exon necessary for protein stability and/or normal function.

Labcorp Genetics (formerly Invitae), Labcorp
Classification: Likely pathogenic for Familial cancer of breast. Last evaluated: 2022-01-20. Review status: criteria provided, single submitter. Criteria: Invitae Variant Classification Sherloc (09022015). Collection method: clinical testing. Allele origin: germline.
Comment: This variant is present in population databases (rs545982789, gnomAD 0.002%). This sequence change affects a donor splice site in intron 6 of the CHEK2 gene. It is expected to disrupt RNA splicing. Variants that disrupt the donor or acceptor splice site typically lead to a loss of protein function (PMID: 16199547), and loss-of-function variants in CHEK2 are known to be pathogenic (PMID: 21876083, 24713400). In summary, the currently available evidence indicates that the variant is pathogenic, but additional data are needed to prove that conclusively. Therefore, this variant has been classified as Likely Pathogenic. ClinVar contains an entry for this variant (Variation ID: 220480). This variant is also known as c.683+2T>C. Disruption of this splice site has been observed in individual(s) with CHEK2-related conditions (PMID: 32885271, 32906215).

Baylor Genetics
Classification: Uncertain significance for Familial cancer of breast. Last evaluated: 2023-09-07. Review status: flagged submission. Criteria: ACMG Guidelines, 2015. Collection method: clinical testing. Allele origin: unknown. Not counted in ClinVar's aggregate classification.
ClinVar note: Reason: Outlier claim with insufficient supporting evidence

Literature cited by the submitters: PubMed 32885271 (cited by Mendelics and Labcorp Genetics (formerly Invitae), Labcorp); PubMed 32906215 (cited by 3 submitters); PubMed 33471991 (cited by Ambry Genetics); PubMed 16199547 (cited by Labcorp Genetics (formerly Invitae), Labcorp); PubMed 21876083 (cited by Labcorp Genetics (formerly Invitae), Labcorp); PubMed 24713400 (cited by Labcorp Genetics (formerly Invitae), Labcorp).